The following is an entry in ClinVar:

NM_001754.5(RUNX1):c.292_334dup (p.Leu112fs)

Gene: RUNX1 (RUNX family transcription factor 1; minus strand). Cytogenetic location: 21q22.12.
Variant type: Duplication.
Coding change: c.292_334dup on transcript NM_001754.5 (MANE Select); coding-DNA positions 292 to 334, 43 bases duplicated.
Protein change: p.Leu112fs; shifts the reading frame from leucine 112.
Molecular consequence: frameshift variant.
Genome position (GRCh38, 1-based): chr21:34,886,860-34,886,902, 43 bases duplicated; duplicating any 43 consecutive bases within chr21:34,886,860-34,886,903 gives the same sequence; the c. name uses the placement nearest the transcript's 3' end. GRCh37 (hg19): chr21:36,259,158-36,259,200.
Other names: NM_001754.5(RUNX1):c.292_334dup; p.Leu112fs; c.211_253dup, p.Leu85fs (NM_001001890.3, NM_001122607.2); short protein forms L85fs, L112fs.
Identifiers: ClinVar variation 2750881 (VCV002750881.5), dbSNP rs2517481800, ClinGen allele CA2697547498.
Genomic context (GRCh38, chr21:34,886,859, plus strand): 5'-GCCGGCCTCCGCCTGTCCTCCCACCACCCTCTCCGGGCCAGTACCTTGAAAGCGATGGGC[A>AGGGTCTTGTTGCAGCGCCAGTGCGTAGGCAGCACGGAGCAGAG]GGGTCTTGTTGCAGCGCCAGTGCGTAGGCAGCACGGAGCAGAGGAAGTTGGGGCTGTCGG-3'

ClinVar aggregate classification (germline): Pathogenic. Review status: reviewed by expert panel (3 of 4 stars). 2 submissions from 2 submitters: Pathogenic (1). 1 of the submissions does not count toward it. Last evaluated 2024-11-04.

Conditions:
Hereditary thrombocytopenia and hematological cancer predisposition syndrome associated with RUNX1. Also called: Familial Platelet Disorder with Propensity to Acute Myelogenous Leukemia; Familial thrombocytopenia with propensity to acute myelogenous leukemia; PLATELET DISORDER, ASPIRIN-LIKE; RUNX1 Familial Platelet Disorder with Associated Myeloid Malignancies. Identifiers: Orphanet 71290, MedGen C1832388, MeSH C563324, MONDO:0100083, OMIM 601399.
Hereditary thrombocytopenia and hematologic cancer predisposition syndrome. Identifiers: Orphanet 71290, MedGen CN281654, MONDO:0011071.

Submissions (2):

ClinGen Myeloid Malignancy Variant Curation Expert Panel
Classification: Pathogenic for Hereditary thrombocytopenia and hematologic cancer predisposition syndrome. Last evaluated: 2024-11-04. Review status: reviewed by expert panel. Criteria: ClinGen MyeloMalig ACMG Specifications v2. Collection method: curation. Allele origin: germline. Inheritance: Autosomal dominant inheritance.
Comment: NM_001754.5(RUNX1):c.292_334dup (p.Leu112ProfsTer40) is a frameshift variant which is predicted to undergo nonsense mediated decay in a gene in which loss-of-function is an established mechanism (frameshift (+) c.98-c.779 as per VCEP specifications) (PVS1). This variant is a frameshift variant that is downstream of c.98 (PM5_Supporting). This variant is completely absent from all population databases with at least 20x coverage for RUNX1 (PM2_Supporting). In summary, this variant meets criteria to be classified as pathogenic. ACMG/AMP criteria applied, as specified by the Myeloid Malignancy Variant Curation Expert Panel for RUNX1: PVS1, PM2_supporting, PM5_supporting.

Labcorp Genetics (formerly Invitae), Labcorp
Classification: Pathogenic for Hereditary thrombocytopenia and hematological cancer predisposition syndrome associated with RUNX1. Last evaluated: 2023-08-07. Review status: criteria provided, single submitter. Criteria: Invitae Variant Classification Sherloc (09022015). Collection method: clinical testing. Allele origin: germline. Not counted in ClinVar's aggregate classification.
Comment: For these reasons, this variant has been classified as Pathogenic. This variant has not been reported in the literature in individuals affected with RUNX1-related conditions. This variant is not present in population databases (gnomAD no frequency). This sequence change creates a premature translational stop signal (p.Leu112Profs*40) in the RUNX1 gene. It is expected to result in an absent or disrupted protein product. Loss-of-function variants in RUNX1 are known to be pathogenic (PMID: 18723428, 24100448).

Literature cited by the submitters: PubMed 18723428 (cited by Labcorp Genetics (formerly Invitae), Labcorp); PubMed 24100448 (cited by Labcorp Genetics (formerly Invitae), Labcorp).